The following is an entry in ClinVar:

NM_000815.5(GABRD):c.232A>G (p.Ile78Val)

Gene: GABRD (gamma-aminobutyric acid type A receptor subunit delta; plus strand). Cytogenetic location: 1p36.33.
Variant type: single nucleotide variant.
Coding change: c.232A>G on transcript NM_000815.5 (MANE Select); coding-DNA position 232, A replaced by G.
Protein change: p.Ile78Val; replaces isoleucine 78 with valine.
Molecular consequence: missense variant.
Genome position (GRCh38, 1-based): chr1:2,025,384, A>G. VCF-style: chr1-2025384-A-G. GRCh37 (hg19) VCF-style: chr1-1956823-A-G.
Other names: short protein forms I78V.
Identifiers: ClinVar variation 2119551 (VCV002119551.4), dbSNP rs1418645786, ClinGen allele CA337956078.

ClinVar aggregate classification (germline): Uncertain significance (1 of 4 stars; one submission).

Conditions:
Idiopathic generalized epilepsy. Also called: Generalised epilepsy; EIG. Identifiers: MedGen C0270850, MONDO:0005579, OMIM 600669.

Submission:

Labcorp Genetics (formerly Invitae), Labcorp
Classification: Uncertain significance for Idiopathic generalized epilepsy. Last evaluated: 2022-05-06. Review status: criteria provided, single submitter. Criteria: Invitae Variant Classification Sherloc (09022015). Collection method: clinical testing. Allele origin: germline.
Comment: In summary, the available evidence is currently insufficient to determine the role of this variant in disease. Therefore, it has been classified as a Variant of Uncertain Significance. Algorithms developed to predict the effect of missense changes on protein structure and function are either unavailable or do not agree on the potential impact of this missense change (SIFT: "Deleterious"; PolyPhen-2: "Probably Damaging"; Align-GVGD: "Class C0"). This variant has not been reported in the literature in individuals affected with GABRD-related conditions. This variant is present in population databases (no rsID available, gnomAD 0.0009%). This sequence change replaces isoleucine, which is neutral and non-polar, with valine, which is neutral and non-polar, at codon 78 of the GABRD protein (p.Ile78Val).